The following is an entry in ClinVar:

NM_020184.4(CNNM4):c.1220G>T (p.Arg407Leu)

Gene: CNNM4 (cyclin and CBS domain divalent metal cation transport mediator 4; plus strand). Cytogenetic location: 2q11.2.
Variant type: single nucleotide variant.
Coding change: c.1220G>T on transcript NM_020184.4 (MANE Select); coding-DNA position 1220, G replaced by T.
Protein change: p.Arg407Leu; replaces arginine 407 with leucine.
Molecular consequence: missense variant.
Genome position (GRCh38, 1-based): chr2:96,762,219, G>T. VCF-style: chr2-96762219-G-T. GRCh37 (hg19) VCF-style: chr2-97427956-G-T.
Other names: short protein forms R407L.
Identifiers: ClinVar variation 627568 (VCV000627568.11), dbSNP rs1574047454, ClinGen allele CA347716913.

ClinVar aggregate classification (germline): Likely pathogenic. Review status: criteria provided, single submitter (1 of 4 stars). 2 submissions from 2 submitters: Likely pathogenic (1). 1 of the submissions does not count toward it. Last evaluated 2025-04-01.

Conditions:
Jalili syndrome. Also called: CONE-ROD DYSTROPHY AND AMELOGENESIS IMPERFECTA. Identifiers: Orphanet 1873, MedGen C3495589, MONDO:0009007, OMIM 217080.

Submissions (2):

CeGaT Center for Human Genetics Tuebingen
Classification: Likely pathogenic. Last evaluated: 2025-04-01. Review status: criteria provided, single submitter. Criteria: CeGaT Center For Human Genetics Tuebingen Variant Classification Criteria Version 2. Collection method: clinical testing. Allele origin: germline. Affected: yes. Observed: 3 variant alleles.
Comment: CNNM4: PM2, PM3, PP1:Moderate, PP3

Institute of Human Genetics, University of Ulm
Classification: Pathogenic for Jalili syndrome. Last evaluated: 2017-08-16. Review status: no assertion criteria provided. Collection method: research. Allele origin: germline. Inheritance: Autosomal recessive inheritance. Affected: yes. Observed: 3 variant alleles, 3 homozygotes. Not counted in ClinVar's aggregate classification.